The following is an entry in ClinVar:

ClinVar aggregate classification (germline): Uncertain significance (1 of 4 stars; one submission).

Conditions:
Cardiovascular phenotype. Identifiers: MedGen CN230736.

gnomAD v4.1: 6 of 1,614,154 alleles (0.00037%); highest among the groups gnomAD compares: East Asian, 0.0022%; no homozygotes.

Submission:

Ambry Genetics
Classification: Uncertain significance for Cardiovascular phenotype. Last evaluated: 2024-07-29. Review status: criteria provided, single submitter. Criteria: Ambry Variant Classification Scheme 2023. Collection method: clinical testing. Allele origin: germline.
Comment: The p.M87K variant (also known as c.260T>A), located in coding exon 3 of the LPL gene, results from a T to A substitution at nucleotide position 260. The methionine at codon 87 is replaced by lysine, an amino acid with similar properties. This amino acid position is conserved. In addition, this alteration is predicted to be deleterious by in silico analysis. Based on the available evidence, the clinical significance of this variant remains unclear.

NM_000237.3(LPL):c.260T>A (p.Met87Lys)

Gene: LPL (lipoprotein lipase; plus strand). Cytogenetic location: 8p21.3.
Variant type: single nucleotide variant.
Coding change: c.260T>A on transcript NM_000237.3 (MANE Select); coding-DNA position 260, T replaced by A.
Protein change: p.Met87Lys; replaces methionine 87 with lysine.
Molecular consequence: missense variant.
Genome position (GRCh38, 1-based): chr8:19,951,779, T>A. VCF-style: chr8-19951779-T-A. GRCh37 (hg19) VCF-style: chr8-19809290-T-A.
Other names: short protein forms M87K.
Identifiers: ClinVar variation 3539212 (VCV003539212.1).